The following is an entry in ClinVar:

NM_001040108.2(MLH3):c.2311G>C (p.Glu771Gln)

Gene: MLH3 (mutL homolog 3; minus strand). Cytogenetic location: 14q24.3.
Variant type: single nucleotide variant.
Coding change: c.2311G>C on transcript NM_001040108.2 (MANE Select); coding-DNA position 2311, G replaced by C.
Protein change: p.Glu771Gln; replaces glutamic acid 771 with glutamine.
Molecular consequence: missense variant.
Genome position (GRCh38, 1-based): chr14:75,047,345, C>G on the plus strand (G>C on the coding strand, the complement: MLH3 is on the minus strand). VCF-style: chr14-75047345-C-G. GRCh37 (hg19) VCF-style: chr14-75514048-C-G.
Other names: c.2311G>C, p.Glu771Gln (NM_014381.3); short protein forms E771Q.
Identifiers: ClinVar variation 3873482 (VCV003873482.1).

ClinVar aggregate classification (germline): Uncertain significance (1 of 4 stars; one submission).

Submission:

Ambry Genetics
Classification: Uncertain significance. Last evaluated: 2024-12-27. Review status: criteria provided, single submitter. Criteria: Ambry Variant Classification Scheme 2023. Collection method: clinical testing. Allele origin: germline.
Comment: The p.E771Q variant (also known as c.2311G>C), located in coding exon 1 of the MLH3 gene, results from a G to C substitution at nucleotide position 2311. The glutamic acid at codon 771 is replaced by glutamine, an amino acid with highly similar properties. This amino acid position is conserved. In addition, this alteration is predicted to be tolerated by in silico analysis. Based on the available evidence, the clinical significance of this variant remains unclear.